The following is an entry in ClinVar:

ClinVar aggregate classification (germline): Uncertain significance (1 of 4 stars; one submission).

Submission:

GeneDx
Classification: Uncertain significance. Last evaluated: 2024-02-13. Review status: criteria provided, single submitter. Criteria: GeneDx Variant Classification Process June 2021. Collection method: clinical testing. Allele origin: germline. Affected: yes.
Comment: Not observed at significant frequency in large population cohorts (gnomAD); In silico analysis supports that this missense variant has a deleterious effect on protein structure/function; Has not been previously published as pathogenic or benign to our knowledge

NM_001394062.1(MACF1):c.2661T>G (p.Cys887Trp)

Gene: MACF1 (microtubule actin crosslinking factor 1; plus strand). Cytogenetic location: 1p34.3.
Variant type: single nucleotide variant.
Coding change: c.2661T>G on transcript NM_001394062.1 (MANE Select); coding-DNA position 2661, T replaced by G.
Protein change: p.Cys887Trp; replaces cysteine 887 with tryptophan.
Molecular consequence: missense variant.
Genome position (GRCh38, 1-based): chr1:39,302,950, T>G. VCF-style: chr1-39302950-T-G. GRCh37 (hg19) VCF-style: chr1-39768622-T-G.
Other names: c.2676T>G, p.Cys892Trp (NM_012090.5); short protein forms C887W, C892W.
Identifiers: ClinVar variation 2571883 (VCV002571883.2), dbSNP rs2521625823, ClinGen allele CA339774326.
Genomic context (GRCh38, chr1:39,302,950, plus strand): 5'-CCATTAGCAATCACTGGTAAATTTATCTCTTCAGATTACTATTTGCAAAAATGATGAATG[T>G]GTGCTAGAAGATAATTCTCAGCGGACCAAATGGAAAGTGATCAGCCCCACAGGGAACGAG-3'
Protein context (NP_001380991.1, residues 877-897): IEITICKNDE[Cys887Trp]VLEDNSQRTK